The following is an entry in ClinVar:

ClinVar aggregate classification (germline): Uncertain significance (1 of 4 stars; one submission).

Allele frequency attached by ClinVar (database versions not stated): gnomAD exomes below 0.00001; ExAC 0.00001; gnomAD 0.00001.
gnomAD v4.1: 4 of 1,614,120 alleles (0.00025%); highest among the groups gnomAD compares: Non-Finnish European, 0.00034%; no homozygotes.

Submission:

Labcorp Genetics (formerly Invitae), Labcorp
Classification: Uncertain significance. Last evaluated: 2022-08-16. Review status: criteria provided, single submitter. Criteria: Invitae Variant Classification Sherloc (09022015). Collection method: clinical testing. Allele origin: germline.
Comment: Advanced modeling of protein sequence and biophysical properties (such as structural, functional, and spatial information, amino acid conservation, physicochemical variation, residue mobility, and thermodynamic stability) performed at Invitae indicates that this missense variant is expected to disrupt ARID1A protein function. In summary, the available evidence is currently insufficient to determine the role of this variant in disease. Therefore, it has been classified as a Variant of Uncertain Significance. This variant has not been reported in the literature in individuals affected with ARID1A-related conditions. This variant is present in population databases (rs750121843, gnomAD 0.002%). This sequence change replaces cysteine, which is neutral and slightly polar, with arginine, which is basic and polar, at codon 884 of the ARID1A protein (p.Cys884Arg).

NM_006015.6(ARID1A):c.2650T>C (p.Cys884Arg)

Gene: ARID1A (AT-rich interaction domain 1A; plus strand). Cytogenetic location: 1p36.11.
Variant type: single nucleotide variant.
Coding change: c.2650T>C on transcript NM_006015.6 (MANE Select); coding-DNA position 2650, T replaced by C.
Protein change: p.Cys884Arg; replaces cysteine 884 with arginine.
Molecular consequence: missense variant.
Genome position (GRCh38, 1-based): chr1:26,763,203, T>C. VCF-style: chr1-26763203-T-C. GRCh37 (hg19) VCF-style: chr1-27089694-T-C.
Other names: c.2650T>C, p.Cys884Arg (NM_139135.4); short protein forms C884R.
Identifiers: ClinVar variation 2417268 (VCV002417268.6), dbSNP rs750121843, ClinGen allele CA707041.